The following is an entry in ClinVar:

ClinVar aggregate classification (germline): Uncertain significance (1 of 4 stars; one submission).

Submission:

Laboratorio de Genetica e Diagnostico Molecular, Hospital Israelita Albert Einstein
Classification: Uncertain significance. Last evaluated: 2020-03-11. Review status: criteria provided, single submitter. Criteria: ACMG Guidelines, 2015. Collection method: clinical testing. Allele origin: germline. Affected: yes.
Comment: ACMG classification criteria: PM2

NM_001556.3(IKBKB):c.1707G>C (p.Glu569Asp)

Gene: IKBKB (inhibitor of nuclear factor kappa B kinase subunit beta; plus strand). Cytogenetic location: 8p11.21.
Variant type: single nucleotide variant.
Coding change: c.1707G>C on transcript NM_001556.3 (MANE Select); coding-DNA position 1707, G replaced by C.
Protein change: p.Glu569Asp; replaces glutamic acid 569 with aspartic acid.
Molecular consequence: missense variant. On other transcripts: non-coding transcript variant (3).
Genome position (GRCh38, 1-based): chr8:42,321,914, G>C. VCF-style: chr8-42321914-G-C. GRCh37 (hg19) VCF-style: chr8-42179432-G-C.
Other names: c.1515G>C, p.Glu505Asp (NM_001190720.3); c.1530G>C, p.Glu510Asp (NM_001242778.2); short protein forms E505D, E510D, E569D.
Identifiers: ClinVar variation 1690841 (VCV001690841.2), dbSNP rs2130681563, ClinGen allele CA371091918.
Genomic context (GRCh38, chr8:42,321,914, plus strand): 5'-ATTTGACCTCAAGTCTAGACAGAACTTCTTTGTATATTTTAGAGAGGAGCAAGCAAGGGA[G>C]CTGTACAGGAGACTAAGGGAAAAACCTCGAGGTAAGTGGGGTTCTGTGTCTGCCTTGGGC-3'
Protein context (NP_001547.1, residues 559-579): TLDDLEEQAR[Glu569Asp]LYRRLREKPR